The following is an entry in ClinVar:

NM_001365951.3(KIF1B):c.3733C>G (p.Gln1245Glu)

Gene: KIF1B (kinesin family member 1B; plus strand). Cytogenetic location: 1p36.22.
Variant type: single nucleotide variant.
Coding change: c.3733C>G on transcript NM_001365951.3 (MANE Select); coding-DNA position 3733, C replaced by G.
Protein change: p.Gln1245Glu; replaces glutamine 1245 with glutamic acid.
Molecular consequence: missense variant.
Genome position (GRCh38, 1-based): chr1:10,345,889, C>G. VCF-style: chr1-10345889-C-G. GRCh37 (hg19) VCF-style: chr1-10405947-C-G.
Other names: c.3733C>G, p.Gln1245Glu (NM_001365952.1); c.3595C>G, p.Gln1199Glu (NM_015074.3); short protein forms Q1199E, Q1245E.
Identifiers: ClinVar variation 3226469 (VCV003226469.2), dbSNP rs2521777095, ClinGen allele CA338342389.
Genomic context (GRCh38, chr1:10,345,889, plus strand): 5'-TAAAAACTTTTAAAAGTTCCAGCCACCAAGTTAAACACGATGAGCAAAACCAGCCTTGGC[C>G]AGAGCATGAGCAAGTATGACCTCCTGGTTTGGTTTGAGATCAGTGAACTGGAGCCTACAG-3'
Protein context (NP_001352880.1, residues 1235-1255): LNTMSKTSLG[Gln1245Glu]SMSKYDLLVW

ClinVar aggregate classification (germline): Uncertain significance. Review status: criteria provided, multiple submitters, no conflicts (2 of 4 stars). 2 submissions from 2 submitters: Uncertain significance (2). Last evaluated 2025-06-22.

Conditions:
Charcot-Marie-Tooth disease type 2. Also called: Charcot-Marie-Tooth type 2. Identifiers: Orphanet 64746, MedGen C0270914, MONDO:0018993.

Submissions (2):

Labcorp Genetics (formerly Invitae), Labcorp
Classification: Uncertain significance for Charcot-Marie-Tooth disease type 2. Last evaluated: 2025-06-22. Review status: criteria provided, single submitter. Criteria: Invitae Variant Classification Sherloc (09022015). Collection method: clinical testing. Allele origin: germline.
Comment: This sequence change replaces glutamine, which is neutral and polar, with glutamic acid, which is acidic and polar, at codon 1199 of the KIF1B protein (p.Gln1199Glu). This variant is not present in population databases (gnomAD no frequency). This variant has not been reported in the literature in individuals affected with KIF1B-related conditions. ClinVar contains an entry for this variant (Variation ID: 3226469). An algorithm developed to predict the effect of missense changes on protein structure and function (PolyPhen-2) suggests that this variant is likely to be tolerated. In summary, the available evidence is currently insufficient to determine the role of this variant in disease. Therefore, it has been classified as a Variant of Uncertain Significance.

Ambry Genetics
Classification: Uncertain significance. Last evaluated: 2023-12-29. Review status: criteria provided, single submitter. Criteria: Ambry Variant Classification Scheme 2023. Collection method: clinical testing. Allele origin: germline.
Comment: The p.Q1199E variant (also known as c.3595C>G), located in coding exon 32 of the KIF1B gene, results from a C to G substitution at nucleotide position 3595. The glutamine at codon 1199 is replaced by glutamic acid, an amino acid with highly similar properties. This amino acid position is conserved. In addition, the in silico prediction for this alteration is inconclusive. Since supporting evidence is limited at this time, the clinical significance of this alteration remains unclear.